The following is an entry in ClinVar:

ClinVar aggregate classification (germline): Uncertain significance (1 of 4 stars; one submission).

Conditions:
Inborn genetic diseases. Identifiers: MedGen C0950123, MeSH D030342.

Submission:

Ambry Genetics
Classification: Uncertain significance for Inborn genetic diseases. Last evaluated: 2024-09-02. Review status: criteria provided, single submitter. Criteria: Ambry Variant Classification Scheme 2023. Collection method: clinical testing. Allele origin: germline.
Comment: The p.L39P variant (also known as c.116T>C), located in coding exon 1 of the LRRK2 gene, results from a T to C substitution at nucleotide position 116. The leucine at codon 39 is replaced by proline, an amino acid with similar properties. This amino acid position is conserved. In addition, this alteration is predicted to be deleterious by in silico analysis. Since supporting evidence is limited at this time, the clinical significance of this alteration remains unclear.

NM_198578.4(LRRK2):c.116T>C (p.Leu39Pro)

Gene: LRRK2 (leucine rich repeat kinase 2; plus strand). Cytogenetic location: 12q12.
Variant type: single nucleotide variant.
Coding change: c.116T>C on transcript NM_198578.4 (MANE Select); coding-DNA position 116, T replaced by C.
Protein change: p.Leu39Pro; replaces leucine 39 with proline.
Molecular consequence: missense variant.
Genome position (GRCh38, 1-based): chr12:40,225,247, T>C. VCF-style: chr12-40225247-T-C. GRCh37 (hg19) VCF-style: chr12-40619049-T-C.
Other names: short protein forms L39P.
Identifiers: ClinVar variation 1739299 (VCV001739299.3), dbSNP rs2499330936, ClinGen allele CA384398635.